The following is an entry in ClinVar:

NM_001849.4(COL6A2):c.1779C>T (p.Asp593=)

Gene: COL6A2 (collagen type VI alpha 2 chain; plus strand). Cytogenetic location: 21q22.3.
Variant type: single nucleotide variant.
Coding change: c.1779C>T on transcript NM_001849.4 (MANE Select); coding-DNA position 1779, C replaced by T.
Protein change: p.Asp593=; no amino-acid change (aspartic acid 593 retained).
Molecular consequence: synonymous variant.
Genome position (GRCh38, 1-based): chr21:46,125,274, C>T. VCF-style: chr21-46125274-C-T. GRCh37 (hg19) VCF-style: chr21-47545188-C-T.
Other names: c.1779C>T, p.Asp593= (NM_058174.3, NM_058175.3).
Identifiers: ClinVar variation 290570 (VCV000290570.19), dbSNP rs139571947, ClinGen allele CA10072211.

ClinVar aggregate classification (germline): Conflicting classifications of pathogenicity. Review status: criteria provided, conflicting classifications (1 of 4 stars). 3 submissions from 3 submitters: Uncertain significance (1); Likely benign (2). Last evaluated 2025-11-04.

Conditions:
Collagen 6-related myopathy. Identifiers: MedGen CN117976, MONDO:0100225.
Bethlem myopathy 1A. Also called: Bethlem Muscular Dystrophy; MYOPATHY, BENIGN CONGENITAL, WITH CONTRACTURES; Bethlem myopathy 1. Identifiers: Orphanet 610, MedGen CN029274, MONDO:0024530, OMIM 158810.

Allele frequency attached by ClinVar (database versions not stated): ExAC 0.00006; gnomAD exomes 0.00006 and 0.00007; TOPMed 0.00006; gnomAD 0.00007; ESP Exome Variant Server 0.00008.
gnomAD v4.1: 97 of 1,611,990 alleles (0.006%); highest among the groups gnomAD compares: Admixed American, 0.012%; no homozygotes.

Submissions (3):

Labcorp Genetics (formerly Invitae), Labcorp
Classification: Likely benign for Bethlem myopathy 1A. Last evaluated: 2025-11-04. Review status: criteria provided, single submitter. Criteria: Invitae Variant Classification Sherloc (09022015). Collection method: clinical testing. Allele origin: germline.

Illumina Laboratory Services, Illumina
Classification: Likely benign for Collagen VI-related myopathy. Last evaluated: 2018-01-12. Review status: criteria provided, single submitter. Criteria: ICSL Variant Classification Criteria 13 December 2019. Collection method: clinical testing. Allele origin: germline.
Comment: This variant was observed in the ICSL laboratory as part of a predisposition screen in an ostensibly healthy population. It had not been previously curated by ICSL or reported in the Human Gene Mutation Database (HGMD: prior to June 1st, 2018), and was therefore a candidate for classification through an automated scoring system. Utilizing variant allele frequency, disease prevalence and penetrance estimates, and inheritance mode, an automated score was calculated to assess if this variant is too frequent to cause the disease. Based on the score and internal cut-off values, a variant classified as likely benign is not then subjected to further curation. The score for this variant resulted in a classification of likely benign for this disease.

Eurofins Ntd Llc (ga)
Classification: Uncertain significance. Last evaluated: 2017-12-28. Review status: criteria provided, single submitter. Criteria: EGL Classification Definitions 2015. Collection method: clinical testing. Allele origin: germline. Observed: 2 variant alleles, 2 heterozygotes.